The following is an entry in ClinVar:

NM_001918.5(DBT):c.747C>A (p.Gly249=)

Gene: DBT (dihydrolipoamide branched chain transacylase E2; minus strand). Cytogenetic location: 1p21.2.
Variant type: single nucleotide variant.
Coding change: c.747C>A on transcript NM_001918.5 (MANE Select); coding-DNA position 747, C replaced by A.
Protein change: p.Gly249=; no amino-acid change (glycine 249 retained).
Molecular consequence: synonymous variant.
Genome position (GRCh38, 1-based): chr1:100,216,008, G>T on the plus strand (C>A on the coding strand, the complement: DBT is on the minus strand). VCF-style: chr1-100216008-G-T. GRCh37 (hg19) VCF-style: chr1-100681564-G-T.
Identifiers: ClinVar variation 710713 (VCV000710713.15), dbSNP rs200612682, ClinGen allele CA969671.

ClinVar aggregate classification (germline): Benign/Likely benign. Review status: criteria provided, multiple submitters, no conflicts (2 of 4 stars). 3 submissions from 3 submitters: Benign (1); Likely benign (2). Last evaluated 2025-12-28.

Conditions:
Maple syrup urine disease (MSUD). Identifiers: Orphanet 511, MedGen C0024776, MeSH D008375, MONDO:0009563. Disease mechanism: loss of function.

Allele frequency attached by ClinVar (database versions not stated): gnomAD 0.00013; TOPMed 0.00013; 1000 Genomes Project 30x 0.00031; 1000 Genomes Project 0.00040.
gnomAD v4.1: 66 of 1,603,452 alleles (0.0041%); highest among the groups gnomAD compares: East Asian, 0.13%; no homozygotes.

Submissions (3):

Labcorp Genetics (formerly Invitae), Labcorp
Classification: Benign for Maple syrup urine disease. Last evaluated: 2025-12-28. Review status: criteria provided, single submitter. Criteria: Invitae Variant Classification Sherloc (09022015). Collection method: clinical testing. Allele origin: germline.

Genome-Nilou Lab
Classification: Likely benign for Maple syrup urine disease type 1A. Last evaluated: 2023-04-11. Review status: criteria provided, single submitter. Criteria: ACMG Guidelines, 2015. Collection method: clinical testing. Allele origin: germline. Affected: no.

Illumina Laboratory Services, Illumina
Classification: Likely benign for Maple syrup urine disease type 1A. Last evaluated: 2017-04-27. Review status: criteria provided, single submitter. Criteria: ICSL Variant Classification Criteria 13 December 2019. Collection method: clinical testing. Allele origin: germline.
Comment: This variant was observed as part of a predisposition screen in an ostensibly healthy population. A literature search was performed for the gene, cDNA change, and amino acid change (where applicable). No publications were found based on this search. Allele frequency data from public databases allowed determination this variant is unlikely to cause disease. Therefore, this variant is classified as likely benign.